The following is an entry in ClinVar:

ClinVar aggregate classification (germline): Uncertain significance (1 of 4 stars; one submission).

Submission:

Ambry Genetics
Classification: Uncertain significance. Last evaluated: 2022-08-28. Review status: criteria provided, single submitter. Criteria: Ambry Variant Classification Scheme 2023. Collection method: clinical testing. Allele origin: germline.
Comment: The p.P2373T variant (also known as c.7117C>A), located in coding exon 53 of the PRKDC gene, results from a C to A substitution at nucleotide position 7117. The proline at codon 2373 is replaced by threonine, an amino acid with highly similar properties. This amino acid position is conserved. In addition, the in silico prediction for this alteration is inconclusive. Since supporting evidence is limited at this time, the clinical significance of this alteration remains unclear.

NM_006904.7(PRKDC):c.7117C>A (p.Pro2373Thr)

Gene: PRKDC (protein kinase, DNA-activated, catalytic subunit; minus strand). Cytogenetic location: 8q11.21.
Variant type: single nucleotide variant.
Coding change: c.7117C>A on transcript NM_006904.7 (MANE Select); coding-DNA position 7117, C replaced by A.
Protein change: p.Pro2373Thr; replaces proline 2373 with threonine.
Molecular consequence: missense variant.
Genome position (GRCh38, 1-based): chr8:47,849,392, G>T on the plus strand (C>A on the coding strand, the complement: PRKDC is on the minus strand). VCF-style: chr8-47849392-G-T. GRCh37 (hg19) VCF-style: chr8-48761953-G-T.
Other names: c.7117C>A, p.Pro2373Thr (NM_001081640.2); short protein forms P2373T.
Identifiers: ClinVar variation 1757241 (VCV001757241.2), dbSNP rs2551868718, ClinGen allele CA371157812.
Genomic context (GRCh38, chr8:47,849,392, plus strand): 5'-GGGCCGAGGACCCTCCTGCCCCGAAAGGATCCCTGGACAGCCCATACCTGTCTGCAAGAG[G>T]AGGGAAGCTCTTGGTCACTTTGTTCAAGCACACAATAAACTTGTCCTCCATAGTATTCTG-3'
Protein context (NP_008835.5, residues 2363-2383): CLNKVTKSFP[Pro2373Thr]LADRFMNAVF